The following is an entry in ClinVar:

ClinVar aggregate classification (germline): Uncertain significance (1 of 4 stars; one submission).

gnomAD v4.1: 1 of 1,612,858 alleles (0.000062%); no homozygotes.

Submission:

Ambry Genetics
Classification: Uncertain significance. Last evaluated: 2024-03-13. Review status: criteria provided, single submitter. Criteria: Ambry Variant Classification Scheme 2023. Collection method: clinical testing. Allele origin: germline.
Comment: The p.R1045I variant (also known as c.3134G>T), located in coding exon 16 of the POLQ gene, results from a G to T substitution at nucleotide position 3134. The arginine at codon 1045 is replaced by isoleucine, an amino acid with similar properties. This amino acid position is conserved. In addition, this alteration is predicted to be tolerated by in silico analysis. Based on the available evidence, the clinical significance of this alteration remains unclear.

NM_199420.4(POLQ):c.3134G>T (p.Arg1045Ile)

Gene: POLQ (DNA polymerase theta; minus strand). Cytogenetic location: 3q13.33.
Variant type: single nucleotide variant.
Coding change: c.3134G>T on transcript NM_199420.4 (MANE Select); coding-DNA position 3134, G replaced by T.
Protein change: p.Arg1045Ile; replaces arginine 1045 with isoleucine.
Molecular consequence: missense variant.
Genome position (GRCh38, 1-based): chr3:121,489,797, C>A on the plus strand (G>T on the coding strand, the complement: POLQ is on the minus strand). VCF-style: chr3-121489797-C-A. GRCh37 (hg19) VCF-style: chr3-121208644-C-A.
Other names: short protein forms R1045I.
Identifiers: ClinVar variation 3229914 (VCV003229914.1), dbSNP rs2546787780, ClinGen allele CA354102828.